The following is an entry in ClinVar:

ClinVar aggregate classification (germline): Pathogenic (1 of 4 stars; one submission).

Conditions:
Rare genetic deafness. Identifiers: Orphanet 96210, MedGen C5680250.

Submission:

Laboratory for Molecular Medicine, Mass General Brigham Personalized Medicine
Classification: Pathogenic for Rare genetic deafness. Last evaluated: 2015-06-16. Review status: criteria provided, single submitter. Criteria: LMM Criteria. Collection method: clinical testing. Allele origin: germline. Observed: 3 variant alleles.
Comment: The p.Gln1165X variant in STRC has not been previously reported in individuals w ith hearing loss. Data from large population studies is insufficient to assess t he frequency of this variant. This nonsense variant leads to a premature termin ation codon at position 1165, which is predicted to lead to a truncated or absen t protein. Loss of function of the STRC gene is an established disease mechanism in hearing loss. In summary, this variant meets criteria to be classified as pa thogenic for hearing loss in an autosomal recessive manner based upon predicted impact to the protein.

NM_153700.2(STRC):c.3493C>T (p.Gln1165Ter)

Gene: STRC (stereocilin; minus strand). Cytogenetic location: 15q15.3.
Variant type: single nucleotide variant.
Coding change: c.3493C>T on transcript NM_153700.2 (MANE Select); coding-DNA position 3493, C replaced by T.
Protein change: p.Gln1165Ter; replaces glutamine 1165 with a stop codon.
Molecular consequence: nonsense.
Genome position (GRCh38, 1-based): chr15:43,610,317, G>A on the plus strand (C>T on the coding strand, the complement: STRC is on the minus strand). VCF-style: chr15-43610317-G-A. GRCh37 (hg19) VCF-style: chr15-43902515-G-A.
Other names: short protein forms Q1165*.
Identifiers: ClinVar variation 228403 (VCV000228403.5), dbSNP rs876657726, ClinGen allele CA10576977.